The following is an entry in ClinVar:

NM_001035.3(RYR2):c.2786G>A (p.Arg929His)

Gene: RYR2 (ryanodine receptor 2; plus strand). Cytogenetic location: 1q43.
Variant type: single nucleotide variant.
Coding change: c.2786G>A on transcript NM_001035.3 (MANE Select); coding-DNA position 2786, G replaced by A.
Protein change: p.Arg929His; replaces arginine 929 with histidine.
Molecular consequence: missense variant.
Genome position (GRCh38, 1-based): chr1:237,511,755, G>A. VCF-style: chr1-237511755-G-A. GRCh37 (hg19) VCF-style: chr1-237675055-G-A.
Other names: short protein forms R929H.
Identifiers: ClinVar variation 229216 (VCV000229216.13), dbSNP rs876657988, ClinGen allele CA10576401.

ClinVar aggregate classification (germline): Uncertain significance. Review status: criteria provided, multiple submitters, no conflicts (2 of 4 stars). 5 submissions from 5 submitters: Uncertain significance (5). Last evaluated 2025-12-08.

Conditions:
Cardiovascular phenotype. Identifiers: MedGen CN230736.
Ventricular arrhythmias due to cardiac ryanodine receptor calcium release deficiency syndrome. Also called: Autosomal dominant cardiac arrhythmia (Kuhn). Identifiers: MedGen C5542154, MONDO:0020745, OMIM 115000.
Arrhythmogenic right ventricular dysplasia 2. Identifiers: MedGen C1832931.
Catecholaminergic polymorphic ventricular tachycardia 1. Also called: VENTRICULAR TACHYCARDIA, STRESS-INDUCED POLYMORPHIC 1; RYR2-Related Catecholaminergic Polymorphic Ventricular Tachycardia; VENTRICULAR TACHYCARDIA, CATECHOLAMINERGIC POLYMORPHIC, 1, WITH OR WITHOUT ATRIAL DYSFUNCTION AND/OR DILATED CARDIOMYOPATHY. Identifiers: Orphanet 3286, MedGen C1631597, MONDO:0011484, OMIM 604772.
Catecholaminergic polymorphic ventricular tachycardia (CVPT). Also called: Catecholamine-induced polymorphic ventricular tachycardia. Identifiers: Orphanet 3286, MedGen C5574922, MONDO:0017990.

Allele frequency attached by ClinVar (database versions not stated): gnomAD 0.00001.
gnomAD v4.1: 8 of 1,545,048 alleles (0.00052%); highest among the groups gnomAD compares: Non-Finnish European, 0.0007%; no homozygotes.

Submissions (5):

Ambry Genetics
Classification: Uncertain significance for Cardiovascular phenotype. Last evaluated: 2025-12-08. Review status: criteria provided, single submitter. Criteria: Ambry Variant Classification Scheme 2023. Collection method: clinical testing. Allele origin: germline.
Comment: The p.R929H variant (also known as c.2786G>A), located in coding exon 24 of the RYR2 gene, results from a G to A substitution at nucleotide position 2786. The arginine at codon 929 is replaced by histidine, an amino acid with highly similar properties. This amino acid position is highly conserved in available vertebrate species. In addition, the in silico prediction for this alteration is inconclusive. Based on the available evidence, the clinical significance of this variant remains unclear.

Labcorp Genetics (formerly Invitae), Labcorp
Classification: Uncertain significance for Catecholaminergic polymorphic ventricular tachycardia 1. Last evaluated: 2024-07-30. Review status: criteria provided, single submitter. Criteria: Invitae Variant Classification Sherloc (09022015). Collection method: clinical testing. Allele origin: germline.
Comment: This sequence change replaces arginine, which is basic and polar, with histidine, which is basic and polar, at codon 929 of the RYR2 protein (p.Arg929His). This variant is present in population databases (no rsID available, gnomAD 0.001%). This missense change has been observed in individual(s) with dilated cardiomyopathy and/or hypertrophic cardiomyopathy (PMID: 26573135, 32516855). ClinVar contains an entry for this variant (Variation ID: 229216). Advanced modeling of protein sequence and biophysical properties (such as structural, functional, and spatial information, amino acid conservation, physicochemical variation, residue mobility, and thermodynamic stability) performed at Invitae indicates that this missense variant is not expected to disrupt RYR2 protein function with a negative predictive value of 95%. In summary, the available evidence is currently insufficient to determine the role of this variant in disease. Therefore, it has been classified as a Variant of Uncertain Significance.

All of Us Research Program, National Institutes of Health
Classification: Uncertain significance for Catecholaminergic polymorphic ventricular tachycardia. Last evaluated: 2024-03-05. Review status: criteria provided, single submitter. Criteria: ACMG Guidelines, 2015. Collection method: clinical testing. Allele origin: germline. Inheritance: Autosomal dominant inheritance. Observed: 1 variant allele, 1 heterozygote.
Comment: This study involves interpretation of variants in research participants for the purpose of population health screening. Participant phenotype was not available at the time of variant classification. Additional details can be found in publication PMID: 35346344, PMCID: PMC8962531

Fulgent Genetics
Classification: Uncertain significance for Ventricular arrhythmias due to cardiac ryanodine receptor calcium release deficiency syndrome; Catecholaminergic polymorphic ventricular tachycardia 1. Last evaluated: 2021-11-04. Review status: criteria provided, single submitter. Criteria: ACMG Guidelines, 2015. Collection method: clinical testing. Allele origin: unknown.

Laboratory for Molecular Medicine, Mass General Brigham Personalized Medicine
Classification: Uncertain significance. Last evaluated: 2019-12-11. Review status: criteria provided, single submitter. Criteria: LMM Criteria. Collection method: clinical testing. Allele origin: germline. Observed: 1 variant allele.
Comment: proposed classification - variant undergoing re-assessment, contact laboratory

Literature cited by the submitters: PubMed 26573135 (cited by Labcorp Genetics (formerly Invitae), Labcorp); PubMed 32516855 (cited by Labcorp Genetics (formerly Invitae), Labcorp).